The following is an entry in ClinVar:

ClinVar aggregate classification (germline): Uncertain significance. Review status: criteria provided, multiple submitters, no conflicts (2 of 4 stars). 2 submissions from 2 submitters: Uncertain significance (2). Last evaluated 2025-12-24.

Conditions:
Dyskeratosis congenita. Identifiers: Orphanet 1775, MedGen C0265965, MONDO:0015780.
Dyskeratosis congenita, autosomal dominant 2. Identifiers: MedGen C3151443, MONDO:0013521, OMIM 613989.
Idiopathic Pulmonary Fibrosis. Also called: Idiopathic fibrosing alveolitis, chronic form; idiopathic fibrosing alveolitis. Identifiers: Orphanet 2032, MedGen C1800706, MeSH D054990, MONDO:0800504.

Allele frequency attached by ClinVar (database versions not stated): gnomAD exomes below 0.00001.
gnomAD v4.1: 1 of 1,546,018 alleles (0.000065%); highest among the groups gnomAD compares: South Asian, 0.0012%; no homozygotes.

Submissions (2):

Ambry Genetics
Classification: Uncertain significance for Dyskeratosis congenita. Last evaluated: 2025-12-24. Review status: criteria provided, single submitter. Criteria: Ambry Variant Classification Scheme 2023. Collection method: clinical testing. Allele origin: germline.
Comment: The p.R342W variant (also known as c.1024C>T), located in coding exon 2 of the TERT gene, results from a C to T substitution at nucleotide position 1024. The arginine at codon 342 is replaced by tryptophan, an amino acid with dissimilar properties. This amino acid position is conserved. In addition, the in silico prediction for this alteration is inconclusive. Based on the available evidence, the clinical significance of this variant remains unclear.

Labcorp Genetics (formerly Invitae), Labcorp
Classification: Uncertain significance for Dyskeratosis congenita, autosomal dominant 2; Idiopathic Pulmonary Fibrosis. Last evaluated: 2023-04-30. Review status: criteria provided, single submitter. Criteria: Invitae Variant Classification Sherloc (09022015). Collection method: clinical testing. Allele origin: germline.
Comment: This variant has not been reported in the literature in individuals affected with TERT-related conditions. In summary, the available evidence is currently insufficient to determine the role of this variant in disease. Therefore, it has been classified as a Variant of Uncertain Significance. Advanced modeling of protein sequence and biophysical properties (such as structural, functional, and spatial information, amino acid conservation, physicochemical variation, residue mobility, and thermodynamic stability) has been performed at Invitae for this missense variant, however the output from this modeling did not meet the statistical confidence thresholds required to predict the impact of this variant on TERT protein function. This variant is not present in population databases (gnomAD no frequency). This sequence change replaces arginine, which is basic and polar, with tryptophan, which is neutral and slightly polar, at codon 342 of the TERT protein (p.Arg342Trp).

NM_198253.3(TERT):c.1024C>T (p.Arg342Trp)

Gene: TERT (telomerase reverse transcriptase; minus strand). Cytogenetic location: 5p15.33.
Variant type: single nucleotide variant.
Coding change: c.1024C>T on transcript NM_198253.3 (MANE Select); coding-DNA position 1024, C replaced by T.
Protein change: p.Arg342Trp; replaces arginine 342 with tryptophan.
Molecular consequence: missense variant. On other transcripts: non-coding transcript variant (2).
Genome position (GRCh38, 1-based): chr5:1,293,862, G>A on the plus strand (C>T on the coding strand, the complement: TERT is on the minus strand). VCF-style: chr5-1293862-G-A. GRCh37 (hg19) VCF-style: chr5-1293977-G-A.
Other names: c.1024C>T, p.Arg342Trp (NM_001193376.3, NM_003219.1); short protein forms R342W.
Identifiers: ClinVar variation 2943941 (VCV002943941.4), dbSNP rs2126686300, ClinGen allele CA359055894.